The following is an entry in ClinVar:

ClinVar aggregate classification (germline): Likely benign (1 of 4 stars; one submission).

gnomAD v4.1: 2 of 1,613,992 alleles (0.00012%); highest among the groups gnomAD compares: Admixed American, 0.0033%; no homozygotes.

Submission:

CeGaT Center for Human Genetics Tuebingen
Classification: Likely benign. Last evaluated: 2026-06-01. Review status: criteria provided, single submitter. Criteria: CeGaT Center For Human Genetics Tuebingen Variant Classification Criteria Version 2. Collection method: clinical testing. Allele origin: germline. Affected: yes. Observed: 1 variant allele.
Comment: SHANK2: BP4, BP7

NM_012309.5(SHANK2):c.4380A>C (p.Ala1460=)

Gene: SHANK2 (SH3 and multiple ankyrin repeat domains 2; minus strand). Cytogenetic location: 11q13.3.
Variant type: single nucleotide variant.
Coding change: c.4380A>C on transcript NM_012309.5 (MANE Select); coding-DNA position 4380, A replaced by C.
Protein change: p.Ala1460=; no amino-acid change (alanine 1460 retained).
Molecular consequence: synonymous variant.
Genome position (GRCh38, 1-based): chr11:70,485,913, T>G on the plus strand (A>C on the coding strand, the complement: SHANK2 is on the minus strand). VCF-style: chr11-70485913-T-G. GRCh37 (hg19) VCF-style: chr11-70332018-T-G.
Other names: c.3243A>C, p.Ala1081= (NM_001379226.1); c.4500A>C, p.Ala1500= (NM_001441024.1); c.4329A>C, p.Ala1443= (NM_001441025.1, NM_001441026.1, NM_001441027.1 and 8 more transcripts); c.4302A>C, p.Ala1434= (NM_001441035.1, NM_001441036.1, NM_001441037.1); c.4257A>C, p.Ala1419= (NM_001441038.1); c.3213A>C, p.Ala1071= (NM_001441040.1); c.3165A>C, p.Ala1055= (NM_001441041.1); c.2607A>C, p.Ala869= (NM_001441042.1); and 6 more.
Identifiers: ClinVar variation 4875167 (VCV004875167.2).